The following is an entry in ClinVar:

NM_000384.3(APOB):c.8919C>T (p.Asn2973=)

Gene: APOB (apolipoprotein B; minus strand). Cytogenetic location: 2p24.1.
Variant type: single nucleotide variant.
Coding change: c.8919C>T on transcript NM_000384.3 (MANE Select); coding-DNA position 8919, C replaced by T.
Protein change: p.Asn2973=; no amino-acid change (asparagine 2973 retained).
Molecular consequence: synonymous variant.
Genome position (GRCh38, 1-based): chr2:21,007,949, G>A on the plus strand (C>T on the coding strand, the complement: APOB is on the minus strand). VCF-style: chr2-21007949-G-A. GRCh37 (hg19) VCF-style: chr2-21230821-G-A.
Identifiers: ClinVar variation 4873116 (VCV004873116.2).
Genomic context (GRCh38, chr2:21,007,949, plus strand): 5'-ATCGACTTGTGATTGAATTTCAAGTTTAGAAAAGTTGAGGGAGCCAGATTCATAAACCAA[G>A]TTTTGGTTTACTCTTAGGTGTTTGCTATTGATCTTATTGGACAGTCCAAAGGAAGTGAGG-3'
Protein context (NP_000375.3, residues 2963-2983): INSKHLRVNQ[Asn2973=]LVYESGSLNF

ClinVar aggregate classification (germline): Likely benign (1 of 4 stars; one submission).

Submission:

CeGaT Center for Human Genetics Tuebingen
Classification: Likely benign. Last evaluated: 2026-07-01. Review status: criteria provided, single submitter. Criteria: CeGaT Center For Human Genetics Tuebingen Variant Classification Criteria Version 2. Collection method: clinical testing. Allele origin: germline. Affected: yes. Observed: 1 variant allele.
Comment: APOB: PM2:Supporting, BP4, BP7